The following is an entry in ClinVar:

ClinVar aggregate classification (germline): Pathogenic (1 of 4 stars; one submission).

Conditions:
Isolated microphthalmia 2. Identifiers: Orphanet 2542, MedGen C1864720, MONDO:0012409, OMIM 610093.

Submission:

Labcorp Genetics (formerly Invitae), Labcorp
Classification: Pathogenic for Isolated microphthalmia 2. Last evaluated: 2022-06-19. Review status: criteria provided, single submitter. Criteria: Invitae Variant Classification Sherloc (09022015). Collection method: clinical testing. Allele origin: germline.
Comment: For these reasons, this variant has been classified as Pathogenic. This variant disrupts a region of the VSX2 protein in which other variant(s) (p.Gly223Arg) have been determined to be pathogenic (PMID: 21976963, 24033328, 30181649). This suggests that this is a clinically significant region of the protein, and that variants that disrupt it are likely to be disease-causing. This variant has not been reported in the literature in individuals affected with VSX2-related conditions. This variant is a gross deletion of the genomic region encompassing exon(s) 4-5 of the VSX2 gene, which includes the termination codon. This deletion extends beyond the assayed region for this gene and therefore may encompass additional genes. While this deletion is not anticipated to lead to nonsense mediated decay, it is expected to alter mRNA translation or result in a truncated protein product.

Literature cited by the submitters: PubMed 21976963; PubMed 24033328; PubMed 30181649.

NC_000014.8:g.(?_74726295)_(74727632_?)del

Gene: VSX2 (visual system homeobox 2; plus strand). Cytogenetic location: 14q24.3.
Variant type: Deletion.
Identifiers: ClinVar variation 2427598 (VCV002427598.4).